The following is an entry in ClinVar:

NM_001199397.3(NEK1):c.1278G>A (p.Leu426=)

Gene: NEK1 (NIMA related kinase 1; minus strand). Cytogenetic location: 4q33.
Variant type: single nucleotide variant.
Coding change: c.1278G>A on transcript NM_001199397.3 (MANE Select); coding-DNA position 1278, G replaced by A.
Protein change: p.Leu426=; no amino-acid change (leucine 426 retained).
Molecular consequence: synonymous variant. On other transcripts: non-coding transcript variant (1).
Genome position (GRCh38, 1-based): chr4:169,556,084, C>T on the plus strand (G>A on the coding strand, the complement: NEK1 is on the minus strand). VCF-style: chr4-169556084-C-T. GRCh37 (hg19) VCF-style: chr4-170477235-C-T.
Other names: c.1278G>A, p.Leu426= (NM_001199398.3, NM_001199400.3, NM_001374418.1 and 2 more transcripts); c.1203G>A, p.Leu401= (NM_001199399.3); c.1227G>A, p.Leu409= (NM_001374420.1); c.1152G>A, p.Leu384= (NM_001374421.1); c.1278G>A (NM_012224.2).
Identifiers: ClinVar variation 1472510 (VCV001472510.7), dbSNP rs752431764, ClinGen allele CA3137774.
Genomic context (GRCh38, chr4:169,556,084, plus strand): 5'-GTAATGTTCATACTGTCCTCGAGAAGAAAAAGATGATGGAGCTATAGTCCCTCCACTGCC[C>T]AGAAAAGGAGCCTAGGGATTAAACAAAGAGCTCTCACATGTTTATCTTATAAGGCCTAAC-3'
Protein context (NP_001186326.1, residues 416-436): GGSGEVKAPF[Leu426=]GSGGTIAPSS

ClinVar aggregate classification (germline): Uncertain significance. Review status: criteria provided, single submitter (1 of 4 stars). 2 submissions from 2 submitters: Uncertain significance (1). 1 of the submissions does not count toward it. Last evaluated 2023-11-28.

Conditions:
NEK1-related disorder. Also called: NEK1-related condition.
Short-rib thoracic dysplasia 6 with or without polydactyly (SRTD6). Also called: SHORT-RIB THORACIC DYSPLASIA 6 WITH POLYDACTYLY; SHORT-RIB THORACIC DYSPLASIA 6 WITHOUT POLYDACTYLY; SHORT RIB-POLYDACTYLY SYNDROME, TYPE IIA; POLYDACTYLY WITH NEONATAL CHONDRODYSTROPHY, TYPE II; Majewski Syndrome. Identifiers: MedGen C0024507, MONDO:0009894, OMIM 263520.

Allele frequency attached by ClinVar (database versions not stated): gnomAD exomes 0.00001 and 0.00002; ExAC 0.00004; gnomAD 0.00010 and 0.00011; TOPMed 0.00011.
gnomAD v4.1: 29 of 1,612,104 alleles (0.0018%); highest among the groups gnomAD compares: African/African-American, 0.033%; no homozygotes.

Submissions (2):

Labcorp Genetics (formerly Invitae), Labcorp
Classification: Uncertain significance for Short-rib thoracic dysplasia 6 with or without polydactyly. Last evaluated: 2023-11-28. Review status: criteria provided, single submitter. Criteria: Invitae Variant Classification Sherloc (09022015). Collection method: clinical testing. Allele origin: germline.
Comment: This sequence change affects codon 426 of the NEK1 mRNA. It is a 'silent' change, meaning that it does not change the encoded amino acid sequence of the NEK1 protein. This variant is present in population databases (rs752431764, gnomAD 0.03%). This variant has not been reported in the literature in individuals affected with NEK1-related conditions. ClinVar contains an entry for this variant (Variation ID: 1472510). Algorithms developed to predict the effect of sequence changes on RNA splicing suggest that this variant may create or strengthen a splice site. In summary, the available evidence is currently insufficient to determine the role of this variant in disease. Therefore, it has been classified as a Variant of Uncertain Significance.

PreventionGenetics, part of Exact Sciences
Classification: Uncertain significance for NEK1-related condition. Last evaluated: 2024-07-24. Review status: no assertion criteria provided. Collection method: clinical testing. Allele origin: germline. Not counted in ClinVar's aggregate classification.
Comment: The NEK1 c.1278G>A variant is not predicted to result in an amino acid change (p.=). This variant is predicted to impact splicing at the acceptor splice site; however, this is based on computational modeling and this variant has not been functionally validated (SpliceAI, Jaganathan et al. 2019. PubMed ID: 30661751). To our knowledge, this variant has not been reported in the literature. This variant is reported in 0.025% of alleles in individuals of African descent in gnomAD. At this time, the clinical significance of this variant is uncertain due to the absence of conclusive functional and genetic evidence.